The following is an entry in ClinVar:

ClinVar aggregate classification (germline): Uncertain significance. Review status: criteria provided, multiple submitters, no conflicts (2 of 4 stars). 3 submissions from 3 submitters: Uncertain significance (2). 1 of the submissions does not count toward it. Last evaluated 2024-10-09.

Conditions:
Dystrophin deficiency.
Duchenne muscular dystrophy (DMD). Also called: MUSCULAR DYSTROPHY, PSEUDOHYPERTROPHIC PROGRESSIVE, DUCHENNE TYPE; Duchenne Muscular Dystrophy (DMD). Identifiers: Orphanet 98896, MedGen C0013264, MONDO:0010679, OMIM 310200.

Allele frequency attached by ClinVar (database versions not stated): TOPMed 0.00001.

Submissions (3):

Labcorp Genetics (formerly Invitae), Labcorp
Classification: Uncertain significance for Duchenne muscular dystrophy. Last evaluated: 2024-10-09. Review status: criteria provided, single submitter. Criteria: Invitae Variant Classification Sherloc (09022015). Collection method: clinical testing. Allele origin: germline.
Comment: This sequence change replaces tryptophan, which is neutral and slightly polar, with cysteine, which is neutral and slightly polar, at codon 852 of the DMD protein (p.Trp852Cys). This variant is not present in population databases (gnomAD no frequency). This variant has not been reported in the literature in individuals affected with DMD-related conditions. ClinVar contains an entry for this variant (Variation ID: 452741). Invitae Evidence Modeling of protein sequence and biophysical properties (such as structural, functional, and spatial information, amino acid conservation, physicochemical variation, residue mobility, and thermodynamic stability) indicates that this missense variant is not expected to disrupt DMD protein function with a negative predictive value of 95%. In summary, the available evidence is currently insufficient to determine the role of this variant in disease. Therefore, it has been classified as a Variant of Uncertain Significance.

GeneDx
Classification: Uncertain significance. Last evaluated: 2017-10-16. Review status: criteria provided, single submitter. Criteria: GeneDx Variant Classification (06012015). Collection method: clinical testing. Allele origin: germline. Affected: yes.
Comment: The W852C variant in the DMD gene has not been reported previously as a pathogenic variant, nor as a benign variant, to our knowledge. This variant is not observed in large population cohorts (Lek et al., 2016). The W852C variant is a non-conservative amino acid substitution, which is likely to impact secondary protein structure as these residues differ in polarity, charge, size and/or other properties. This substitution occurs at a position that is not conserved. In silico analysis predicts this variant is probably damaging to the protein structure/function. We interpret W852C as a variant of uncertain significance

Natera, Inc.
Classification: Uncertain significance for Dystrophin deficiency. Last evaluated: 2020-09-16. Review status: no assertion criteria provided. Collection method: clinical testing. Allele origin: germline. Not counted in ClinVar's aggregate classification.

NM_004006.3(DMD):c.2556G>T (p.Trp852Cys)

Gene: DMD (dystrophin; minus strand). Cytogenetic location: Xp21.1.
Variant type: single nucleotide variant.
Coding change: c.2556G>T on transcript NM_004006.3 (MANE Select); coding-DNA position 2556, G replaced by T.
Protein change: p.Trp852Cys; replaces tryptophan 852 with cysteine.
Molecular consequence: missense variant.
Genome position (GRCh38, 1-based): chrX:32,491,343, C>A on the plus strand (G>T on the coding strand, the complement: DMD is on the minus strand). VCF-style: chrX-32491343-C-A. GRCh37 (hg19) VCF-style: chrX-32509460-C-A.
Other names: c.2532G>T, p.Trp844Cys (NM_000109.4); c.2544G>T, p.Trp848Cys (NM_004009.3); c.2187G>T, p.Trp729Cys (NM_004010.3); short protein forms W852C, W729C, W848C, W844C.
Identifiers: ClinVar variation 452741 (VCV000452741.5), dbSNP rs1429329309, ClinGen allele CA412672068.